The following is an entry in ClinVar:

NM_144672.4(OTOA):c.2020G>A (p.Asp674Asn)

Gene: OTOA (otoancorin). Cytogenetic location: 16p12.2.
Variant type: single nucleotide variant.
Coding change: c.2020G>A on transcript NM_144672.4 (MANE Select); coding-DNA position 2020, G replaced by A.
Protein change: p.Asp674Asn; replaces aspartic acid 674 with asparagine.
Molecular consequence: missense variant.
Genome position (GRCh38, 1-based): chr16:21,728,244, G>A. VCF-style: chr16-21728244-G-A. GRCh37 (hg19) VCF-style: chr16-21739565-G-A.
Other names: c.1048G>A, p.Asp350Asn (NM_170664.3); c.1783G>A, p.Asp595Asn (NM_001161683.2); short protein forms D595N, D674N, D350N.
Identifiers: ClinVar variation 3303630 (VCV003303630.2).

ClinVar aggregate classification (germline): Conflicting classifications of pathogenicity. Review status: criteria provided, conflicting classifications (1 of 4 stars). 2 submissions from 2 submitters: Uncertain significance (1); Likely benign (1). Last evaluated 2025-04-07.

Conditions:
Inborn genetic diseases. Identifiers: MedGen C0950123, MeSH D030342.

gnomAD v4.1: 63 of 1,614,122 alleles (0.0039%); highest among the groups gnomAD compares: African/African-American, 0.061%; no homozygotes.

Submissions (2):

GeneDx
Classification: Uncertain significance. Last evaluated: 2025-04-07. Review status: criteria provided, single submitter. Criteria: GeneDx Variant Classification Process June 2021. Collection method: clinical testing. Allele origin: germline. Affected: yes.
Comment: In silico analysis indicates that this missense variant does not alter protein structure/function; Has not been previously published as pathogenic or benign to our knowledge

Ambry Genetics
Classification: Likely benign for Inborn genetic diseases. Last evaluated: 2024-06-17. Review status: criteria provided, single submitter. Criteria: Ambry Variant Classification Scheme 2023. Collection method: clinical testing. Allele origin: germline.